The following is an entry in ClinVar:

NM_002872.5(RAC2):c.466G>C (p.Glu156Gln)

Gene: RAC2 (Rac family small GTPase 2; minus strand). Cytogenetic location: 22q13.1.
Variant type: single nucleotide variant.
Coding change: c.466G>C on transcript NM_002872.5 (MANE Select); coding-DNA position 466, G replaced by C.
Protein change: p.Glu156Gln; replaces glutamic acid 156 with glutamine.
Molecular consequence: missense variant.
Genome position (GRCh38, 1-based): chr22:37,226,786, C>G on the plus strand (G>C on the coding strand, the complement: RAC2 is on the minus strand). VCF-style: chr22-37226786-C-G. GRCh37 (hg19) VCF-style: chr22-37622826-C-G.
Other names: short protein forms E156Q.
Identifiers: ClinVar variation 3632255 (VCV003632255.2).

ClinVar aggregate classification (germline): Uncertain significance (1 of 4 stars; one submission).

Conditions:
Neutrophil immunodeficiency syndrome. Also called: Immunodeficiency 73A with defective neutrophil chemotaxis and leukocytosis. Identifiers: Orphanet 183707, MedGen C1842398, MONDO:0011988, OMIM 608203.

gnomAD v4.1: 2 of 1,612,900 alleles (0.00012%); highest among the groups gnomAD compares: Non-Finnish European, 0.00017%; no homozygotes.

Submission:

Labcorp Genetics (formerly Invitae), Labcorp
Classification: Uncertain significance for Neutrophil immunodeficiency syndrome. Last evaluated: 2024-03-25. Review status: criteria provided, single submitter. Criteria: Invitae Variant Classification Sherloc (09022015). Collection method: clinical testing. Allele origin: germline.
Comment: This sequence change replaces glutamic acid, which is acidic and polar, with glutamine, which is neutral and polar, at codon 156 of the RAC2 protein (p.Glu156Gln). This variant is not present in population databases (gnomAD no frequency). This variant has not been reported in the literature in individuals affected with RAC2-related conditions. Advanced modeling of protein sequence and biophysical properties (such as structural, functional, and spatial information, amino acid conservation, physicochemical variation, residue mobility, and thermodynamic stability) performed at Invitae indicates that this missense variant is expected to disrupt RAC2 protein function with a positive predictive value of 95%. In summary, the available evidence is currently insufficient to determine the role of this variant in disease. Therefore, it has been classified as a Variant of Uncertain Significance.